The following is an entry in ClinVar:

ClinVar aggregate classification (germline): drug response. Review status: reviewed by expert panel (3 of 4 stars). 5 submissions from 3 submitters: drug response (3). 2 of the submissions do not count toward it. Last evaluated 2021-03-24.

Conditions:
efavirenz response - Metabolism/PK. Identifiers: MedGen CN322730.
CYP2B6-related disorder. Also called: CYP2B6-related condition.
Efavirenz response. Also called: Efavirenz central nervous system toxicity, susceptibility to; Efavirenz, poor metabolism of. Identifiers: MedGen C3281153, MONDO:0800431, OMIM 614546.
efavirenz response - Toxicity.
nevirapine response - Metabolism/PK.

Allele frequency attached by ClinVar (database versions not stated): TOPMed 0.29499; 1000 Genomes Project 0.31569; gnomAD 0.28511 and 0.28231; ESP Exome Variant Server 0.29040; 1000 Genomes Project 30x 0.31933.
gnomAD v4.1: 413,763 of 1,613,508 alleles (26%); highest among the groups gnomAD compares: South Asian, 39%; 55,845 homozygotes.

Submissions (6):

ClinPGx
Classification: drug response for efavirenz response - Metabolism/PK. Last evaluated: 2021-03-24. Review status: reviewed by expert panel. Criteria: Pharmacogenomics knowledge for personalized medicine. Collection method: curation. Allele origin: germline. Affected: yes.
Comment: PharmGKB Level of Evidence 1A: Level 1A clinical annotations describe variant-drug combinations that have variant-specific prescribing guidance available in a current clinical guideline annotation or an FDA-approved drug label annotation. Annotations of drug labels or clinical guidelines must give prescribing guidance for specific variants (e.g. CYP2C9*3, HLA-B*57:01) or provide mapping from defined allele functions to diplotypes and phenotypes to be used as supporting evidence for a level 1A clinical annotation. Level 1A clinical annotations must also be supported by at least one publication in addition to a clinical guideline or drug label with variant-specific prescribing guidance.

Drug is not necessarily used to treat response condition

ClinPGx
Classification: drug response for efavirenz response - Toxicity. Last evaluated: 2021-03-24. Review status: reviewed by expert panel. Criteria: Pharmacogenomics knowledge for personalized medicine. Collection method: curation. Allele origin: germline. Affected: yes.
Comment: the same text as in the submission from ClinPGx above.

ClinPGx
Classification: drug response for nevirapine response - Metabolism/PK. Last evaluated: 2021-03-24. Review status: reviewed by expert panel. Criteria: Pharmacogenomics knowledge for personalized medicine. Collection method: curation. Allele origin: germline. Affected: yes.
Comment: PharmGKB Level of Evidence 2A: Variants in Level 2A clinical annotations are found in PharmGKB’s Tier 1 Very Important Pharmacogenes (VIPs). These variants are in known pharmacogenes, implying causation of drug phenotype is more likely. These clinical annotations describe variant-drug combinations with a moderate level of evidence supporting the association. For example, the association may be found in multiple cohorts, but there may be a minority of studies that do not support the majority assertion. Level 2A clinical annotations must be supported by at least two independent publications.

Drug is not necessarily used to treat response condition

PreventionGenetics, part of Exact Sciences
Classification: Likely benign for CYP2B6-related condition. Last evaluated: 2021-07-22. Review status: no assertion criteria provided. Collection method: clinical testing. Allele origin: germline. Not counted in ClinVar's aggregate classification.
Comment: This variant is classified as likely benign based on ACMG/AMP sequence variant interpretation guidelines (Richards et al. 2015 PMID: 25741868, with internal and published modifications).

OMIM
Classification: drug response for EFAVIRENZ, POOR METABOLISM OF. Last evaluated: 2015-05-18. Review status: no assertion criteria provided. Collection method: literature only. Allele origin: germline. Not counted in ClinVar's aggregate classification.

Dr. Peter K. Rogan Lab, Western University
No classification provided (evidence only). Condition: Familial cancer of breast. Review status: no classification provided. Collection method: in vitro. Allele origin: not applicable. Functional consequence: retained intron. Not counted in ClinVar's aggregate classification.

Literature cited by the submitters: PubMed 15622315 (cited by ClinPGx and OMIM); PubMed 15668854 (cited by ClinPGx); PubMed 15825040 (cited by ClinPGx); PubMed 15864119 (cited by ClinPGx); PubMed 16267764 (cited by ClinPGx); PubMed 16392089 (cited by ClinPGx); PubMed 16495778 (cited by ClinPGx); PubMed 16857630 (cited by ClinPGx); PubMed 17047492 (cited by ClinPGx); PubMed 17918089 (cited by ClinPGx); PubMed 17968817 (cited by ClinPGx); PubMed 18057928 (cited by ClinPGx); PubMed 18281305 (cited by ClinPGx); PubMed 18728241 (cited by ClinPGx); PubMed 18784455 (cited by ClinPGx); PubMed 18839779 (cited by ClinPGx); PubMed 19124658 (cited by ClinPGx); PubMed 19218571 (cited by ClinPGx); PubMed 19371316 (cited by ClinPGx); PubMed 19433561 (cited by ClinPGx); PubMed 19474465 (cited by ClinPGx); PubMed 19531981 (cited by ClinPGx); PubMed 19659438 (cited by ClinPGx); PubMed 19704172 (cited by ClinPGx); PubMed 19779319 (cited by ClinPGx); PubMed 20338069 (cited by ClinPGx); PubMed 20441246 (cited by ClinPGx); PubMed 20625352 (cited by ClinPGx); PubMed 20720517 (cited by ClinPGx); PubMed 20723261 (cited by ClinPGx); PubMed 20841522 (cited by ClinPGx); PubMed 20860463 (cited by ClinPGx and OMIM); PubMed 20952418 (cited by ClinPGx); PubMed 22057858 (cited by ClinPGx); PubMed 22471906 (cited by ClinPGx); PubMed 22481606 (cited by ClinPGx); PubMed 22927450 (cited by ClinPGx); PubMed 22950382 (cited by ClinPGx); PubMed 23080225 (cited by ClinPGx); PubMed 23172109 (cited by ClinPGx); PubMed 23254426 (cited by ClinPGx); PubMed 23399569 (cited by ClinPGx); PubMed 23763943 (cited by ClinPGx); PubMed 23970651 (cited by ClinPGx); PubMed 24080498 (cited by ClinPGx); PubMed 24145522 (cited by ClinPGx); PubMed 24299220 (cited by ClinPGx); PubMed 24316028 (cited by ClinPGx); PubMed 24521642 (cited by ClinPGx); PubMed 24551111 (cited by ClinPGx); PubMed 24831655 (cited by ClinPGx); PubMed 24956253 (cited by ClinPGx); PubMed 25303294 (cited by ClinPGx); PubMed 25501988 (cited by ClinPGx); PubMed 25611810 (cited by ClinPGx); PubMed 25669165 (cited by ClinPGx); PubMed 25831219 (cited by ClinPGx); PubMed 25882300 (cited by ClinPGx); PubMed 25889207 (cited by ClinPGx); PubMed 25974723 (cited by ClinPGx); PubMed 26107645 (cited by ClinPGx); PubMed 26196596 (cited by ClinPGx); PubMed 26774523 (cited by ClinPGx); PubMed 26779253 (cited by ClinPGx); PubMed 26831894 (cited by ClinPGx); PubMed 27299708 (cited by ClinPGx); PubMed 27655857 (cited by ClinPGx); PubMed 28145050 (cited by ClinPGx); PubMed 28187506 (cited by ClinPGx); PubMed 28692529 (cited by ClinPGx); PubMed 28718515 (cited by ClinPGx); PubMed 28816644 (cited by ClinPGx); PubMed 28886044 (cited by ClinPGx); PubMed 29624706 (cited by ClinPGx); PubMed 31628422 (cited by ClinPGx); PubMed 32106141 (cited by ClinPGx); PubMed 32209837 (cited by ClinPGx); PubMed 17356468 (cited by ClinPGx); PubMed 18503405 (cited by ClinPGx); PubMed 18655316 (cited by ClinPGx); PubMed 21633320 (cited by ClinPGx); PubMed 21715435 (cited by ClinPGx); PubMed 23734829 (cited by ClinPGx); PubMed 23859571 (cited by ClinPGx); PubMed 24517233 (cited by ClinPGx); PubMed 28492729 (cited by ClinPGx); PubMed 19228205 (cited by ClinPGx); PubMed 21393201 (cited by ClinPGx); PubMed 21441248 (cited by ClinPGx); PubMed 21860339 (cited by ClinPGx); PubMed 22111602 (cited by ClinPGx); PubMed 22354160 (cited by ClinPGx); PubMed 22680342 (cited by ClinPGx); PubMed 23982262 (cited by ClinPGx); PubMed 24217698 (cited by ClinPGx); PubMed 26348712 (cited by ClinPGx); PubMed 27195527 (cited by ClinPGx); PubMed 28947469 (cited by ClinPGx); PubMed 20639527 (cited by OMIM).

NM_000767.5(CYP2B6):c.516G>T (p.Gln172His)

Gene: CYP2B6 (cytochrome P450 family 2 subfamily B member 6; plus strand). Cytogenetic location: 19q13.2.
Variant type: single nucleotide variant.
Coding change: c.516G>T on transcript NM_000767.5 (MANE Select); coding-DNA position 516, G replaced by T.
Protein change: p.Gln172His; replaces glutamine 172 with histidine.
Molecular consequence: missense variant.
Genome position (GRCh38, 1-based): chr19:41,006,936, G>T. VCF-style: chr19-41006936-G-T. GRCh37 (hg19) VCF-style: chr19-41512841-G-T.
Other names: CYP2B6, GLN172HIS (rs3745274); c.516G>T (NM_000767.4); short protein forms Q172H.
Identifiers: ClinVar variation 29671 (VCV000029671.7), dbSNP rs3745274, ClinGen allele CA215137.
Genomic context (GRCh38, chr19:41,006,936, plus strand): 5'-TGTGTCCTTGACCTGCTGCTTCTTCCTAGGGGCCCTCATGGACCCCACCTTCCTCTTCCA[G>T]TCCATTACCGCCAACATCATCTGCTCCATCGTCTTTGGAAAACGATTCCACTACCAAGAT-3'
Protein context (NP_000758.1, residues 162-182): GALMDPTFLF[Gln172His]SITANIICSI